The following is an entry in ClinVar:

NM_020376.4(PNPLA2):c.903del (p.Ala302fs)

Gene: PNPLA2 (patatin like domain 2, triacylglycerol lipase; plus strand). Cytogenetic location: 11p15.5.
Variant type: Deletion.
Coding change: c.903del on transcript NM_020376.4 (MANE Select); coding-DNA position 903, one base deleted (C; older notation c.903delC).
Protein change: p.Ala302fs; shifts the reading frame from alanine 302.
Molecular consequence: frameshift variant.
Genome position (GRCh38, 1-based): chr11:823,839, C deleted; the last of 3 consecutive C bases (chr11:823,837-823,839); deleting any one gives the same sequence. VCF-style (leftmost placement, unchanged base first): chr11-823836-GC-G. GRCh37 (hg19) VCF-style: chr11-823836-GC-G.
Other names: short protein forms A302fs.
Identifiers: ClinVar variation 1454498 (VCV001454498.5), dbSNP rs1255475913, ClinGen allele CA597022411.

ClinVar aggregate classification (germline): Pathogenic (1 of 4 stars; one submission).

Conditions:
Neutral lipid storage myopathy (NLSDM). Also called: NEUTRAL LIPID STORAGE DISEASE WITHOUT ICHTHYOSIS. Identifiers: Orphanet 98908, MedGen C1853136, MONDO:0012545, OMIM 610717.

Submission:

Labcorp Genetics (formerly Invitae), Labcorp
Classification: Pathogenic for Neutral lipid storage myopathy. Last evaluated: 2024-02-29. Review status: criteria provided, single submitter. Criteria: Invitae Variant Classification Sherloc (09022015). Collection method: clinical testing. Allele origin: germline.
Comment: This sequence change creates a premature translational stop signal (p.Ala302Profs*18) in the PNPLA2 gene. It is expected to result in an absent or disrupted protein product. Loss-of-function variants in PNPLA2 are known to be pathogenic (PMID: 17187067). This variant is present in population databases (no rsID available, gnomAD 0.001%). This variant has not been reported in the literature in individuals affected with PNPLA2-related conditions. ClinVar contains an entry for this variant (Variation ID: 1454498). For these reasons, this variant has been classified as Pathogenic.

Literature cited by the submitters: PubMed 17187067.